The following is an entry in ClinVar:

ClinVar aggregate classification (germline): Pathogenic (1 of 4 stars; one submission).

Submission:

CeGaT Center for Human Genetics Tuebingen
Classification: Pathogenic. Last evaluated: 2024-05-01. Review status: criteria provided, single submitter. Criteria: CeGaT Center For Human Genetics Tuebingen Variant Classification Criteria Version 2. Collection method: clinical testing. Allele origin: germline. Affected: yes. Observed: 4 variant alleles.
Comment: SPAST: PVS1, PM2

NM_014946.4(SPAST):c.1536+1G>C

Gene: SPAST (spastin; plus strand). Cytogenetic location: 2p22.3.
Variant type: single nucleotide variant.
Coding change: c.1536+1G>C on transcript NM_014946.4 (MANE Select); the canonical splice donor site of the intron after coding-DNA position 1536, G replaced by C.
Molecular consequence: splice donor variant.
Genome position (GRCh38, 1-based): chr2:32,141,947, G>C. VCF-style: chr2-32141947-G-C. GRCh37 (hg19) VCF-style: chr2-32367016-G-C.
Other names: c.1440+1G>C (NM_199436.2, NM_001377959.1); c.1533+1G>C (NM_001363823.2); c.1437+1G>C (NM_001363875.2).
Identifiers: ClinVar variation 444494 (VCV000444494.43), dbSNP rs1553319095, ClinGen allele CA346503028.
Genomic context (GRCh38, chr2:32,141,947, plus strand): 5'-TGGATTTTTTTTTTTAGGCGTTTCATCAAACGGGTATATGTGTCTTTACCAAATGAGGAG[G>C]TATGTATCTGTGTTTGAATTTTTTTTGTTTTAGAGCAGAAACAAGAACTACCATCTTGAC-3'